The following is an entry in ClinVar:

ClinVar aggregate classification (germline): Benign/Likely benign. Review status: criteria provided, multiple submitters, no conflicts (2 of 4 stars). 5 submissions from 5 submitters: Benign (2); Likely benign (2). 1 of the submissions does not count toward it. Last evaluated 2026-02-04.

Conditions:
Inborn genetic diseases. Identifiers: MedGen C0950123, MeSH D030342.

Allele frequency attached by ClinVar (database versions not stated): gnomAD 0.00001 and 0.00038; TOPMed 0.00012; ExAC 0.00159; 1000 Genomes Project 0.00220; 1000 Genomes Project 30x 0.00297.
gnomAD v4.1: 1,093 of 1,613,896 alleles (0.068%); highest among the groups gnomAD compares: South Asian, 1.1%; 23 homozygotes.

Submissions (5):

Labcorp Genetics (formerly Invitae), Labcorp
Classification: Benign. Last evaluated: 2026-02-04. Review status: criteria provided, single submitter. Criteria: Invitae Variant Classification Sherloc (09022015). Collection method: clinical testing. Allele origin: germline.

Ambry Genetics
Classification: Likely benign for Inborn genetic diseases. Last evaluated: 2024-10-02. Review status: criteria provided, single submitter. Criteria: Ambry Variant Classification Scheme 2023. Collection method: clinical testing. Allele origin: germline.

GeneDx
Classification: Likely benign. Last evaluated: 2021-10-27. Review status: criteria provided, single submitter. Criteria: GeneDx Variant Classification Process June 2021. Collection method: clinical testing. Allele origin: germline. Affected: yes.
Comment: See Variant Classification Assertion Criteria.

Genetic Services Laboratory, University of Chicago
Classification: Benign. Last evaluated: 2018-02-14. Review status: criteria provided, single submitter. Criteria: ACMG Guidelines, 2015. Collection method: clinical testing. Allele origin: germline. Affected: no.

Department of Pathology and Laboratory Medicine, Sinai Health System
Classification: Benign. Review status: no assertion criteria provided. Collection method: clinical testing. Allele origin: unknown. Affected: yes. Study: The Canadian Open Genetics Repository (COGR). Not counted in ClinVar's aggregate classification.
Comment: The SAMD9L p.R1465H variant was not identified in the literature but was identified in dbSNP (ID: rs190393069) and ClinVar (classified as benign by Invitae). The variant was identified in control databases in 365 of 282246 chromosomes (7 homozygous) at a frequency of 0.001293, and was observed at the highest frequency in the South Asian population in 349 of 30606 chromosomes (7 homozygous) (freq: 0.01140) (Genome Aggregation Database March 6, 2019, v2.1.1). The p.R1465 residue is not conserved in mammals and computational analyses (MUT Assesor, PolyPhen-2, SIFT, MutationTaster, Revel, FATHMM, MetaLR, DANN) do not suggest a high likelihood of impact to the protein; however this information is not predictive enough to rule out pathogenicity. The variant occurs outside of the splicing consensus sequence and in silico or computational prediction software programs (Splice AI exome) do not predict a difference in splicing. In summary, based on the above information this variant meets our laboratory's criteria to be classified as benign.

NM_152703.5(SAMD9L):c.4394G>A (p.Arg1465His)

Gene: SAMD9L (sterile alpha motif domain containing 9 like; minus strand). Cytogenetic location: 7q21.2.
Variant type: single nucleotide variant.
Coding change: c.4394G>A on transcript NM_152703.5 (MANE Select); coding-DNA position 4394, G replaced by A.
Protein change: p.Arg1465His; replaces arginine 1465 with histidine.
Molecular consequence: missense variant.
Genome position (GRCh38, 1-based): chr7:93,131,578, C>T on the plus strand (G>A on the coding strand, the complement: SAMD9L is on the minus strand). VCF-style: chr7-93131578-C-T. GRCh37 (hg19) VCF-style: chr7-92760891-C-T.
Other names: c.4394G>A, p.Arg1465His (NM_001303496.3, NM_001303497.3, NM_001303498.3 and 5 more transcripts); c.4394G>A (NM_152703.2); short protein forms R1465H.
Identifiers: ClinVar variation 741674 (VCV000741674.19), dbSNP rs190393069, ClinGen allele CA4343309.